The following is an entry in ClinVar:

NM_023067.4(FOXL2):c.15C>A (p.Tyr5Ter)

Gene: FOXL2 (forkhead box L2; minus strand). Cytogenetic location: 3q22.3.
Variant type: single nucleotide variant.
Coding change: c.15C>A on transcript NM_023067.4 (MANE Select); coding-DNA position 15, C replaced by A.
Protein change: p.Tyr5Ter; replaces tyrosine 5 with a stop codon.
Molecular consequence: nonsense.
Genome position (GRCh38, 1-based): chr3:138,946,708, G>T on the plus strand (C>A on the coding strand, the complement: FOXL2 is on the minus strand). VCF-style: chr3-138946708-G-T. GRCh37 (hg19) VCF-style: chr3-138665550-G-T.
Other names: short protein forms Y5*.
Identifiers: ClinVar variation 369886 (VCV000369886.1), dbSNP rs1057516139, ClinGen allele CA10654908.

ClinVar aggregate classification (germline): Pathogenic (1 of 4 stars; one submission).

Conditions:
Blepharophimosis, ptosis, and epicanthus inversus syndrome. Identifiers: Orphanet 126, MedGen C0220663, MONDO:0007201, OMIM 110100.

Allele frequency attached by ClinVar (database versions not stated): gnomAD exomes below 0.00001.
gnomAD v4.1: 1 of 1,582,168 alleles (0.000063%); highest among the groups gnomAD compares: East Asian, 0.0023%; no homozygotes.

Submission:

Genomic Diagnostic Laboratory, Division of Genomic Diagnostics, Children's Hospital of Philadelphia
Classification: Pathogenic for Blepharophimosis, ptosis, and epicanthus inversus syndrome. Last evaluated: 2016-11-03. Review status: criteria provided, single submitter. Criteria: DGD Variant Analysis Guidelines. Collection method: clinical testing. Allele origin: germline. Affected: yes. Observed: 1 variant allele.
Comment: Clinical Testing